The following is an entry in ClinVar:

NM_000237.3(LPL):c.248C>T (p.Thr83Met)

Gene: LPL (lipoprotein lipase; plus strand). Cytogenetic location: 8p21.3.
Variant type: single nucleotide variant.
Coding change: c.248C>T on transcript NM_000237.3 (MANE Select); coding-DNA position 248, C replaced by T.
Protein change: p.Thr83Met; replaces threonine 83 with methionine.
Molecular consequence: missense variant.
Genome position (GRCh38, 1-based): chr8:19,948,339, C>T. VCF-style: chr8-19948339-C-T. GRCh37 (hg19) VCF-style: chr8-19805850-C-T.
Other names: p.Thr83Met; c.248C>T (NM_000237.2); short protein forms T83M.
Identifiers: ClinVar variation 1684859 (VCV001684859.7), dbSNP rs372267210, ClinGen allele CA4655345.

ClinVar aggregate classification (germline): Uncertain significance. Review status: criteria provided, multiple submitters, no conflicts (2 of 4 stars). 6 submissions from 6 submitters: Uncertain significance (6). Last evaluated 2025-12-15.

Conditions:
Cardiovascular phenotype. Identifiers: MedGen CN230736.
Hyperlipidemia, familial combined, LPL related (FCHL3). Also called: Hyperapobetalipoproteinemia. Identifiers: MedGen C0020474, MONDO:0007759, OMIM 144250, HP:0008158.
Hyperlipoproteinemia, type I. Also called: Lipoprotein Lipase Deficiency; HYPERLIPOPROTEINEMIA, TYPE IA; LPL DEFICIENCY; Lipase D deficiency; Familial Lipoprotein Lipase Deficiency; Familial hyperlipo-proteinemia type 1. Identifiers: Orphanet 309015, Orphanet 444490, MedGen C0023817, MONDO:0009387, OMIM 238600. Disease mechanism: loss of function.

Allele frequency attached by ClinVar (database versions not stated): ExAC 0.00002; gnomAD 0.00002; gnomAD exomes 0.00003; TOPMed 0.00003; ESP Exome Variant Server 0.00008.
gnomAD v4.1: 40 of 1,613,640 alleles (0.0025%); highest among the groups gnomAD compares: South Asian, 0.0044%; no homozygotes.

Submissions (6):

Women's Health and Genetics/Laboratory Corporation of America, LabCorp
Classification: Uncertain significance. Last evaluated: 2025-12-15. Review status: criteria provided, single submitter. Criteria: LabCorp Variant Classification Summary - May 2015. Collection method: clinical testing. Allele origin: germline.
Comment: Variant summary: LPL c.248C>T (p.Thr83Met) results in a non-conservative amino acid change in the encoded protein sequence. Algorithms developed to predict the effect of missense changes on protein structure and function all suggest that this variant is likely to be disruptive. Consensus agreement among computation tools predict no significant impact on normal splicing. However, these predictions have yet to be confirmed by functional studies. The variant allele was found at a frequency of 2.8e-05 in 251164 control chromosomes. The available data on variant occurrences in the general population are insufficient to allow any conclusion about variant significance. c.248C>T has been observed in individual(s) affected with Hypertriglyceridemia (Deshotels_2022). These report(s) do not provide unequivocal conclusions about association of the variant with Hypertriglyceridemia. To our knowledge, no experimental evidence demonstrating an impact on protein function has been reported. The following publication have been ascertained in the context of this evaluation (PMID: 36325899). ClinVar contains an entry for this variant (Variation ID: 1684859). Based on the evidence outlined above, the variant was classified as uncertain significance.

Mayo Clinic Laboratories, Mayo Clinic
Classification: Uncertain significance. Last evaluated: 2025-10-18. Review status: criteria provided, single submitter. Criteria: ACMG Guidelines, 2015. Collection method: clinical testing. Allele origin: germline. Observed: 1 variant allele.
Comment: PP3, PM2_supporting

Ambry Genetics
Classification: Uncertain significance for Cardiovascular phenotype. Last evaluated: 2025-09-18. Review status: criteria provided, single submitter. Criteria: Ambry Variant Classification Scheme 2023. Collection method: clinical testing. Allele origin: germline.
Comment: The p.T83M variant (also known as c.248C>T), located in coding exon 2 of the LPL gene, results from a C to T substitution at nucleotide position 248. The threonine at codon 83 is replaced by methionine, an amino acid with similar properties. This amino acid position is highly conserved in available vertebrate species. In addition, the in silico prediction for this alteration is inconclusive. Since supporting evidence is limited at this time, the clinical significance of this alteration remains unclear.

Blueprint Genetics
Classification: Uncertain significance. Last evaluated: 2024-08-15. Review status: criteria provided, single submitter. Criteria: ACMG Guidelines, 2015. Collection method: clinical testing. Allele origin: germline.

Fulgent Genetics
Classification: Uncertain significance for Hyperlipidemia, familial combined, LPL related; Hyperlipoproteinemia, type I. Last evaluated: 2024-01-19. Review status: criteria provided, single submitter. Criteria: ACMG Guidelines, 2015. Collection method: clinical testing. Allele origin: germline.

Mendelics
Classification: Uncertain significance. Last evaluated: 2022-05-04. Review status: criteria provided, single submitter. Criteria: Mendelics Assertion Criteria 2019. Collection method: clinical testing. Allele origin: germline.

Literature cited by the submitters: PubMed 36325899 (cited by Women's Health and Genetics/Laboratory Corporation of America, LabCorp and Mayo Clinic Laboratories, Mayo Clinic); PubMed 38795861 (cited by Mayo Clinic Laboratories, Mayo Clinic).